The following is an entry in ClinVar:

NM_000492.4(CFTR):c.53+122T>C

Gene: CFTR (CF transmembrane conductance regulator; plus strand). Cytogenetic location: 7q31.2.
Variant type: single nucleotide variant.
Coding change: c.53+122T>C on transcript NM_000492.4 (MANE Select); 122 bases into the intron after coding-DNA position 53, T replaced by C.
Molecular consequence: intron variant.
Genome position (GRCh38, 1-based): chr7:117,480,269, T>C. VCF-style: chr7-117480269-T-C. GRCh37 (hg19) VCF-style: chr7-117120323-T-C.
Identifiers: ClinVar variation 5001893 (VCV005001893.1).

ClinVar aggregate classification (germline): Likely benign (1 of 4 stars; one submission).

Conditions:
CFTR-related disorder (CFTR-RD). Also called: CFTR-related disorders; CFTR-related condition. Identifiers: MedGen C5924204, MONDO:7770004.

gnomAD v4.1: 9 of 877,344 alleles (0.001%); highest among the groups gnomAD compares: Admixed American, 0.013%; no homozygotes.

Submission:

PreventionGenetics, part of Exact Sciences
Classification: Likely benign for CFTR-related condition. Last evaluated: 2024-10-23. Review status: criteria provided, single submitter. Criteria: ACMG Guidelines, 2015. Collection method: clinical testing. Allele origin: germline.
Comment: This variant is classified as likely benign based on ACMG/AMP sequence variant interpretation guidelines (Richards et al. 2015 PMID: 25741868, with internal and published modifications).